The following is an entry in ClinVar:

NM_203447.4(DOCK8):c.296A>G (p.Glu99Gly)

Genes: DOCK8 (dedicator of cytokinesis 8; plus strand), LOC126860552 (BRD4-independent group 4 enhancer GRCh37_chr9:285795-286994; plus strand). Cytogenetic location: 9p24.3.
Variant type: single nucleotide variant.
Coding change: c.296A>G on transcript NM_203447.4 (MANE Select); coding-DNA position 296, A replaced by G.
Protein change: p.Glu99Gly; replaces glutamic acid 99 with glycine.
Molecular consequence: missense variant.
Genome position (GRCh38, 1-based): chr9:286,600, A>G. VCF-style: chr9-286600-A-G. GRCh37 (hg19) VCF-style: chr9-286600-A-G.
Other names: c.92A>G, p.Glu31Gly (NM_001190458.2, NM_001193536.2); short protein forms E31G, E99G.
Identifiers: ClinVar variation 1974510 (VCV001974510.5), dbSNP rs1586601212, ClinGen allele CA372756405.

ClinVar aggregate classification (germline): Uncertain significance (1 of 4 stars; one submission).

Conditions:
Combined immunodeficiency due to DOCK8 deficiency (HIES2). Also called: DOCK8 Deficiency; HIES autosomal recessive; HYPER-IgE RECURRENT INFECTION SYNDROME 2, AUTOSOMAL RECESSIVE; HYPER-IgE SYNDROME 2, AUTOSOMAL RECESSIVE, WITH RECURRENT INFECTIONS; Hyper-IgE recurrent infection syndrome, autosomal recessive. Identifiers: Orphanet 217390, MedGen C4722305, MONDO:0009478, OMIM 243700.

Allele frequency attached by ClinVar (database versions not stated): gnomAD exomes below 0.00001.
gnomAD v4.1: 1 of 1,613,986 alleles (0.000062%); highest among the groups gnomAD compares: East Asian, 0.0022%; no homozygotes.

Submission:

Labcorp Genetics (formerly Invitae), Labcorp
Classification: Uncertain significance for Combined immunodeficiency due to DOCK8 deficiency. Last evaluated: 2022-03-14. Review status: criteria provided, single submitter. Criteria: Invitae Variant Classification Sherloc (09022015). Collection method: clinical testing. Allele origin: germline.
Comment: In summary, the available evidence is currently insufficient to determine the role of this variant in disease. Therefore, it has been classified as a Variant of Uncertain Significance. Algorithms developed to predict the effect of missense changes on protein structure and function are either unavailable or do not agree on the potential impact of this missense change (SIFT: "Deleterious"; PolyPhen-2: "Probably Damaging"; Align-GVGD: "Class C0"). This variant has not been reported in the literature in individuals affected with DOCK8-related conditions. This variant is not present in population databases (gnomAD no frequency). This sequence change replaces glutamic acid, which is acidic and polar, with glycine, which is neutral and non-polar, at codon 99 of the DOCK8 protein (p.Glu99Gly).